The following is an entry in ClinVar:

ClinVar aggregate classification (germline): Uncertain significance (1 of 4 stars; one submission).

Allele frequency attached by ClinVar (database versions not stated): TOPMed below 0.00001; gnomAD 0.00001; gnomAD exomes 0.00002.
gnomAD v4.1: 4 of 1,305,726 alleles (0.00031%); highest among the groups gnomAD compares: Non-Finnish European, 0.00039%; no homozygotes.

Submission:

Labcorp Genetics (formerly Invitae), Labcorp
Classification: Uncertain significance. Last evaluated: 2022-10-13. Review status: criteria provided, single submitter. Criteria: Invitae Variant Classification Sherloc (09022015). Collection method: clinical testing. Allele origin: germline.
Comment: This variant has not been reported in the literature in individuals affected with HMX1-related conditions. This variant is present in population databases (no rsID available, gnomAD 0.006%). This sequence change replaces leucine, which is neutral and non-polar, with isoleucine, which is neutral and non-polar, at codon 65 of the HMX1 protein (p.Leu65Ile). ClinVar contains an entry for this variant (Variation ID: 1000085). In summary, the available evidence is currently insufficient to determine the role of this variant in disease. Therefore, it has been classified as a Variant of Uncertain Significance. Algorithms developed to predict the effect of missense changes on protein structure and function are either unavailable or do not agree on the potential impact of this missense change (SIFT: "Tolerated"; PolyPhen-2: "Not Available"; Align-GVGD: "Class C0").

NM_018942.3(HMX1):c.193C>A (p.Leu65Ile)

Gene: HMX1 (H6 family homeobox 1; minus strand). Cytogenetic location: 4p16.1.
Variant type: single nucleotide variant.
Coding change: c.193C>A on transcript NM_018942.3 (MANE Select); coding-DNA position 193, C replaced by A.
Protein change: p.Leu65Ile; replaces leucine 65 with isoleucine.
Molecular consequence: missense variant.
Genome position (GRCh38, 1-based): chr4:8,871,422, G>T on the plus strand (C>A on the coding strand, the complement: HMX1 is on the minus strand). VCF-style: chr4-8871422-G-T. GRCh37 (hg19) VCF-style: chr4-8873148-G-T.
Other names: c.193C>A, p.Leu65Ile (NM_001306142.2); short protein forms L65I.
Identifiers: ClinVar variation 1000085 (VCV001000085.7), dbSNP rs1447898650, ClinGen allele CA356279139.